The following is an entry in ClinVar:

NM_015378.4(VPS13D):c.1624C>T (p.Arg542Ter)

Gene: VPS13D (vacuolar protein sorting 13 homolog D; plus strand). Cytogenetic location: 1p36.22.
Variant type: single nucleotide variant.
Coding change: c.1624C>T on transcript NM_015378.4 (MANE Select); coding-DNA position 1624, C replaced by T.
Protein change: p.Arg542Ter; replaces arginine 542 with a stop codon.
Molecular consequence: nonsense.
Genome position (GRCh38, 1-based): chr1:12,266,910, C>T. VCF-style: chr1-12266910-C-T. GRCh37 (hg19) VCF-style: chr1-12326967-C-T.
Other names: c.1624C>T, p.Arg542Ter (NM_018156.4); short protein forms R542*.
Identifiers: ClinVar variation 4775632 (VCV004775632.1).

ClinVar aggregate classification (germline): Pathogenic (1 of 4 stars; one submission).

gnomAD v4.1: 2 of 1,604,068 alleles (0.00012%); highest among the groups gnomAD compares: East Asian, 0.0022%; no homozygotes.

Submission:

Labcorp Genetics (formerly Invitae), Labcorp
Classification: Pathogenic. Last evaluated: 2025-12-15. Review status: criteria provided, single submitter. Criteria: Invitae Variant Classification Sherloc (09022015). Collection method: clinical testing. Allele origin: germline.
Comment: This sequence change creates a premature translational stop signal (p.Arg542*) in the VPS13D gene. It is expected to result in an absent or disrupted protein product. Loss-of-function variants in VPS13D are known to be pathogenic (PMID: 29518281). This variant is not present in population databases (gnomAD no frequency). This variant has not been reported in the literature in individuals affected with VPS13D-related conditions. For these reasons, this variant has been classified as Pathogenic.

Literature cited by the submitters: PubMed 29518281.